The following is an entry in ClinVar:

NM_000238.4(KCNH2):c.152T>C (p.Leu51Pro)

Gene: KCNH2 (potassium voltage-gated channel subfamily H member 2; minus strand). Cytogenetic location: 7q36.1.
Variant type: single nucleotide variant.
Coding change: c.152T>C on transcript NM_000238.4 (MANE Select); coding-DNA position 152, T replaced by C.
Protein change: p.Leu51Pro; replaces leucine 51 with proline.
Molecular consequence: missense variant. On other transcripts: 5 prime UTR variant (1), non-coding transcript variant (1).
Genome position (GRCh38, 1-based): chr7:150,974,866, A>G on the plus strand (T>C on the coding strand, the complement: KCNH2 is on the minus strand). VCF-style: chr7-150974866-A-G. GRCh37 (hg19) VCF-style: chr7-150671954-A-G.
Other names: c.-26T>C (NM_001406755.1); c.152T>C, p.Leu51Pro (NM_172056.3); short protein forms L51P.
Identifiers: ClinVar variation 2725065 (VCV002725065.4), dbSNP rs2486156624, ClinGen allele CA369865794.

ClinVar aggregate classification (germline): Conflicting classifications of pathogenicity. Review status: criteria provided, conflicting classifications (1 of 4 stars). 2 submissions from 2 submitters: Pathogenic (1); Uncertain significance (1). Last evaluated 2026-08-13.

Conditions:
Long QT syndrome (LQTS). Identifiers: MedGen C0023976, MeSH D008133, MONDO:0002442. Disease mechanism: loss of function. Inheritance: Various modes of inheritance.
Long QT syndrome 2 (LQT2). Identifiers: Orphanet 101016, Orphanet 768, MedGen C3150943, MONDO:0013367, OMIM 613688.

Submissions (2):

MVZ Martinsried, Medicover Genetics
Classification: Pathogenic for Long QT syndrome 2. Last evaluated: 2026-08-13. Review status: criteria provided, single submitter. Criteria: ClinGen Variant Curation SOP V3.2 + Classification Guidance July2025. Collection method: clinical testing. Allele origin: unknown. Affected: yes. Observed: 1 heterozygote.

Labcorp Genetics (formerly Invitae), Labcorp
Classification: Uncertain significance for Long QT syndrome. Last evaluated: 2023-06-23. Review status: criteria provided, single submitter. Criteria: Invitae Variant Classification Sherloc (09022015). Collection method: clinical testing. Allele origin: germline.
Comment: This sequence change replaces leucine, which is neutral and non-polar, with proline, which is neutral and non-polar, at codon 51 of the KCNH2 protein (p.Leu51Pro). This variant is not present in population databases (gnomAD no frequency). This variant has not been reported in the literature in individuals affected with KCNH2-related conditions. An algorithm developed to predict the effect of missense changes on protein structure and function (PolyPhen-2) suggests that this variant is likely to be disruptive. In summary, the available evidence is currently insufficient to determine the role of this variant in disease. Therefore, it has been classified as a Variant of Uncertain Significance.